The following is an entry in ClinVar:

NM_000321.3(RB1):c.2006T>C (p.Leu669Pro)

Gene: RB1 (RB transcriptional corepressor 1; plus strand). Cytogenetic location: 13q14.2.
Variant type: single nucleotide variant.
Coding change: c.2006T>C on transcript NM_000321.3 (MANE Select); coding-DNA position 2006, T replaced by C.
Protein change: p.Leu669Pro; replaces leucine 669 with proline.
Molecular consequence: missense variant.
Genome position (GRCh38, 1-based): chr13:48,459,733, T>C. VCF-style: chr13-48459733-T-C. GRCh37 (hg19) VCF-style: chr13-49033869-T-C.
Other names: short protein forms L669P.
Identifiers: ClinVar variation 938068 (VCV000938068.10), dbSNP rs1949384058, ClinGen allele CA388166749.

ClinVar aggregate classification (germline): Uncertain significance. Review status: criteria provided, multiple submitters, no conflicts (2 of 4 stars). 2 submissions from 2 submitters: Uncertain significance (2). Last evaluated 2026-07-02.

Conditions:
Hereditary cancer-predisposing syndrome. Also called: Neoplastic Syndromes, Hereditary; Hereditary Cancer Syndrome; Tumor predisposition; Hereditary neoplastic syndrome. Identifiers: Orphanet 140162, MedGen C0027672, MeSH D009386, MONDO:0015356.
Retinoblastoma (RB1). Also called: RETINOBLASTOMA, SOMATIC. Identifiers: Orphanet 790, MedGen C0035335, MeSH D012175, MONDO:0008380, OMIM 180200, HP:0009919. Disease mechanism: loss of function. Inheritance: Both sporadic and heritable forms are tested..

Submissions (2):

Ambry Genetics
Classification: Uncertain significance for Hereditary cancer-predisposing syndrome. Last evaluated: 2026-07-02. Review status: criteria provided, single submitter. Criteria: Ambry Variant Classification Scheme 2023. Collection method: clinical testing. Allele origin: germline.
Comment: The p.L669P variant (also known as c.2006T>C), located in coding exon 20 of the RB1 gene, results from a T to C substitution at nucleotide position 2006. The leucine at codon 669 is replaced by proline, an amino acid with similar properties. This amino acid position is conserved. In addition, this alteration is predicted to be deleterious by in silico analysis. Based on the available evidence, the clinical significance of this variant remains unclear.

Labcorp Genetics (formerly Invitae), Labcorp
Classification: Uncertain significance for Retinoblastoma. Last evaluated: 2019-10-15. Review status: criteria provided, single submitter. Criteria: Invitae Variant Classification Sherloc (09022015). Collection method: clinical testing. Allele origin: germline.
Comment: In summary, the available evidence is currently insufficient to determine the role of this variant in disease. Therefore, it has been classified as a Variant of Uncertain Significance. Algorithms developed to predict the effect of missense changes on protein structure and function (SIFT, PolyPhen-2, Align-GVGD) all suggest that this variant is likely to be disruptive, but these predictions have not been confirmed by published functional studies and their clinical significance is uncertain. This variant has not been reported in the literature in individuals with RB1-related conditions. This variant is not present in population databases (ExAC no frequency). This sequence change replaces leucine with proline at codon 669 of the RB1 protein (p.Leu669Pro). The leucine residue is highly conserved and there is a moderate physicochemical difference between leucine and proline.